The following is an entry in ClinVar:

NM_138694.4(PKHD1):c.7719dup (p.Met2574fs)

Gene: PKHD1 (PKHD1 ciliary IPT domain containing fibrocystin/polyductin; minus strand). Cytogenetic location: 6p12.2.
Variant type: Duplication.
Coding change: c.7719dup on transcript NM_138694.4 (MANE Select); coding-DNA position 7719, one base duplicated (T; older notation c.7719dupT).
Protein change: p.Met2574fs; shifts the reading frame from methionine 2574.
Molecular consequence: frameshift variant.
Genome position (GRCh38, 1-based): chr6:51,867,877, A duplicated on the plus strand (T on the coding strand, the reverse complement: PKHD1 is on the minus strand). VCF-style (leftmost placement, unchanged base first): chr6-51867876-T-TA. GRCh37 (hg19) VCF-style: chr6-51732674-T-TA.
Other names: c.7719dupT (NM_138694.3); c.7719dup, p.Met2574fs (NM_170724.3); short protein forms M2574fs.
Identifiers: ClinVar variation 197601 (VCV000197601.9), dbSNP rs797044745, ClinGen allele CA275289.
Genomic context (GRCh38, chr6:51,867,876, plus strand): 5'-GATGCATGCCCATCGGCAAGCTAAAAAGTATAGTTAATTCCACTTACAAACCAATAGACA[T>TA]ACGATGAAAAAGAACACCTCCTCCACAGGCACTGCCATGGACAACCCGACCAAAGCTTGA-3'

ClinVar aggregate classification (germline): Pathogenic/Likely pathogenic. Review status: criteria provided, multiple submitters, no conflicts (2 of 4 stars). 3 submissions from 3 submitters: Pathogenic (2); Likely pathogenic (1). Last evaluated 2025-12-09.

Conditions:
Polycystic kidney disease 4 (PKD4). Also called: POLYCYSTIC KIDNEY AND HEPATIC DISEASE 1; POLYCYSTIC KIDNEY DISEASE, INFANTILE, TYPE I; PKD3; Autosomal Recessive Polycystic Kidney Disease – PKHD1; POLYCYSTIC KIDNEY DISEASE 4 WITH OR WITHOUT POLYCYSTIC LIVER DISEASE. Identifiers: MedGen C4540575, MONDO:0033004, OMIM 263200.
Autosomal recessive polycystic kidney disease (ARPKD). Also called: AR polycystic kidney disease. Identifiers: Orphanet 731, Orphanet 8378, MedGen C0085548, MeSH D017044, MONDO:0009889.

Submissions (3):

Natera, Inc.
Classification: Likely pathogenic for Autosomal recessive polycystic kidney disease. Last evaluated: 2025-12-09. Review status: criteria provided, single submitter. Criteria: Natera Variant Classification Schema (03/2026). Collection method: clinical testing. Allele origin: germline.
Comment: The c.7719dupT variant in PKHD1 is a frameshift variant predicted to shift the reading frame beginning at codon 2574 and leads to a stop codon 10 codons downstream. This variant is expected to result in nonsense mediated decay, truncation, or a dysfunctional protein product. This variant is rare in the general population with a frequency below the threshold expected for the associated phenotype(s). Given the available evidence, this variant is classified as Likely Pathogenic.

Fulgent Genetics
Classification: Pathogenic for Polycystic kidney disease 4. Last evaluated: 2024-06-19. Review status: criteria provided, single submitter. Criteria: ACMG Guidelines, 2015. Collection method: clinical testing. Allele origin: germline.

Eurofins Ntd Llc (ga)
Classification: Pathogenic. Last evaluated: 2014-07-25. Review status: criteria provided, single submitter. Criteria: EGL Classification Definitions. Collection method: clinical testing. Allele origin: germline. Observed: 1 variant allele, 1 heterozygote.